The following is an entry in ClinVar:

ClinVar aggregate classification (germline): Uncertain significance (1 of 4 stars; one submission).

Conditions:
H19-related disorder. Also called: H19-related condition.

Allele frequency attached by ClinVar (database versions not stated): 1000 Genomes Project 0.00020.

Submission:

PreventionGenetics, part of Exact Sciences
Classification: Uncertain significance for H19-related condition. Last evaluated: 2023-05-17. Review status: criteria provided, single submitter. Criteria: ACMG Guidelines, 2015. Collection method: clinical testing. Allele origin: germline.
Comment: The H19 n.-4190G>A is a noncoding alteration. This variant resides in the 5' promoter of H19. To our knowledge, this variant has not been reported in the literature or in a large population database, indicating it is rare. H19 promoter variants have been associated with Silver-Russel syndrome and Beckwith-Wiedemann syndrome (see for example, Demars et al. 2010. PubMed ID: 20007505); however, no examples occur in the immediate vicinity of this variant. At this time, the clinical significance of this variant is uncertain due to the absence of conclusive functional and genetic evidence.

NR_002196.2(H19):n.-4190G>A

Genes: H19 (H19 imprinted maternally expressed transcript; minus strand), H19-ICR (H19/IGF2 imprinting control region; plus strand), MRPL23 (mitochondrial ribosomal protein L23; plus strand). Cytogenetic location: 11p15.5.
Variant type: single nucleotide variant.
Molecular consequence: intron variant (on NM_001400176.1).
Genome position: GRCh38 VCF-style: chr11-2002065-C-T. GRCh37 (hg19) VCF-style: chr11-2023295-C-T.
Other names: c.498-9476C>T (NM_001400176.1).
Identifiers: ClinVar variation 2633517 (VCV002633517.1), dbSNP rs548453983, ClinGen allele CA216221205.
Genomic context (GRCh38, chr11:2,002,065, plus strand): 5'-AGGCCATGACACTGAAGCCCTCAGAGTGTGACCTGGGGCCACGCGGCCGTGGATATGGCC[C>T]GATACGAAGACGTGGTGTGGCTCCCATGAGCGTCCTATTCCCAGAAGACCTCCGAGAACC-3'